The following is an entry in ClinVar:

ClinVar aggregate classification (germline): Uncertain significance. Review status: criteria provided, multiple submitters, no conflicts (2 of 4 stars). 2 submissions from 2 submitters: Uncertain significance (2). Last evaluated 2025-07-03.

gnomAD v4.1: 5 of 1,614,006 alleles (0.00031%); highest among the groups gnomAD compares: South Asian, 0.0033%; no homozygotes.

Submissions (2):

Labcorp Genetics (formerly Invitae), Labcorp
Classification: Uncertain significance. Last evaluated: 2025-07-03. Review status: criteria provided, single submitter. Criteria: Invitae Variant Classification Sherloc (09022015). Collection method: clinical testing. Allele origin: germline.
Comment: This sequence change replaces threonine, which is neutral and polar, with asparagine, which is neutral and polar, at codon 400 of the ARHGAP24 protein (p.Thr400Asn). This variant is not present in population databases (gnomAD no frequency). This variant has not been reported in the literature in individuals affected with ARHGAP24-related conditions. ClinVar contains an entry for this variant (Variation ID: 3372898). An algorithm developed to predict the effect of missense changes on protein structure and function (PolyPhen-2) suggests that this variant is likely to be tolerated. In summary, the available evidence is currently insufficient to determine the role of this variant in disease. Therefore, it has been classified as a Variant of Uncertain Significance.

GeneDx
Classification: Uncertain significance. Last evaluated: 2024-04-30. Review status: criteria provided, single submitter. Criteria: GeneDx Variant Classification Process June 2021. Collection method: clinical testing. Allele origin: germline. Affected: yes.
Comment: Not observed at significant frequency in large population cohorts (gnomAD); In silico analysis indicates that this missense variant does not alter protein structure/function; Has not been previously published as pathogenic or benign to our knowledge

NM_001025616.3(ARHGAP24):c.1199C>A (p.Thr400Asn)

Gene: ARHGAP24 (Rho GTPase activating protein 24; plus strand). Cytogenetic location: 4q21.23.
Variant type: single nucleotide variant.
Coding change: c.1199C>A on transcript NM_001025616.3 (MANE Select); coding-DNA position 1199, C replaced by A.
Protein change: p.Thr400Asn; replaces threonine 400 with asparagine.
Molecular consequence: missense variant.
Genome position (GRCh38, 1-based): chr4:85,994,853, C>A. VCF-style: chr4-85994853-C-A. GRCh37 (hg19) VCF-style: chr4-86916006-C-A.
Other names: c.914C>A, p.Thr305Asn (NM_001042669.2); c.944C>A, p.Thr315Asn (NM_001287805.2); c.620C>A, p.Thr207Asn (NM_001346093.2); c.920C>A, p.Thr307Asn (NM_031305.3); short protein forms T207N, T305N, T307N, T315N, T400N.
Identifiers: ClinVar variation 3372898 (VCV003372898.2).
Genomic context (GRCh38, chr4:85,994,853, plus strand): 5'-AGTCACCCCAGAGAAGCAGCATGAACAATGGATCCCCCACAGCTCTATCAGGCAGCAAAA[C>A]CAACAGCCCAAAGAACAGTGTTCACAAGCTAGATGTGTCTAGAAGCCCCCCTCTCATGGT-3'
Protein context (NP_001020787.2, residues 390-410): GSPTALSGSK[Thr400Asn]NSPKNSVHKL